The following is an entry in ClinVar:

ClinVar aggregate classification (germline): Uncertain significance (1 of 4 stars; one submission).

Submission:

Labcorp Genetics (formerly Invitae), Labcorp
Classification: Uncertain significance. Last evaluated: 2022-03-23. Review status: criteria provided, single submitter. Criteria: Invitae Variant Classification Sherloc (09022015). Collection method: clinical testing. Allele origin: germline.
Comment: This sequence change replaces lysine, which is basic and polar, with arginine, which is basic and polar, at codon 160 of the SUCO protein (p.Lys160Arg). This variant is not present in population databases (gnomAD no frequency). This variant has not been reported in the literature in individuals affected with SUCO-related conditions. Algorithms developed to predict the effect of missense changes on protein structure and function (SIFT, PolyPhen-2, Align-GVGD) all suggest that this variant is likely to be tolerated. In summary, the available evidence is currently insufficient to determine the role of this variant in disease. Therefore, it has been classified as a Variant of Uncertain Significance.

NM_014283.5(SUCO):c.479A>G (p.Lys160Arg)

Gene: SUCO (SUN domain containing ossification factor; plus strand). Cytogenetic location: 1q24.3.
Variant type: single nucleotide variant.
Coding change: c.479A>G on transcript NM_014283.5 (MANE Select); coding-DNA position 479, A replaced by G.
Protein change: p.Lys160Arg; replaces lysine 160 with arginine.
Molecular consequence: missense variant. On other transcripts: 5 prime UTR variant (1).
Genome position (GRCh38, 1-based): chr1:172,557,315, A>G. VCF-style: chr1-172557315-A-G. GRCh37 (hg19) VCF-style: chr1-172526455-A-G.
Other names: c.368A>G, p.Lys123Arg (NM_001282750.2); c.-1051A>G (NM_001282751.2); c.953A>G, p.Lys318Arg (NM_016227.4); short protein forms K123R, K160R, K318R.
Identifiers: ClinVar variation 2092792 (VCV002092792.4), dbSNP rs2527280257, ClinGen allele CA343734919.